The following is an entry in ClinVar:

NM_021619.3(PRDM12):c.367G>A (p.Ala123Thr)

Genes: PRDM12 (PR/SET domain 12; plus strand), LOC126860775 (CDK7 strongly-dependent group 2 enhancer GRCh37_chr9:133541982-133543181; plus strand). Cytogenetic location: 9q34.12.
Variant type: single nucleotide variant.
Coding change: c.367G>A on transcript NM_021619.3 (MANE Select); coding-DNA position 367, G replaced by A.
Protein change: p.Ala123Thr; replaces alanine 123 with threonine.
Molecular consequence: missense variant.
Genome position (GRCh38, 1-based): chr9:130,666,751, G>A. VCF-style: chr9-130666751-G-A. GRCh37 (hg19) VCF-style: chr9-133542138-G-A.
Other names: short protein forms A123T.
Identifiers: ClinVar variation 2121418 (VCV002121418.4), dbSNP rs767792249, ClinGen allele CA375246601.

ClinVar aggregate classification (germline): Uncertain significance (1 of 4 stars; one submission).

Conditions:
Congenital insensitivity to pain-hypohidrosis syndrome. Also called: HSAN VIII; Neuropathy, hereditary sensory and autonomic, type VIII. Identifiers: Orphanet 478664, MedGen C4225308, MONDO:0014662, OMIM 616488.

Allele frequency attached by ClinVar (database versions not stated): TOPMed below 0.00001.

Submission:

Labcorp Genetics (formerly Invitae), Labcorp
Classification: Uncertain significance for Congenital insensitivity to pain-hypohidrosis syndrome. Last evaluated: 2025-08-04. Review status: criteria provided, single submitter. Criteria: Invitae Variant Classification Sherloc (09022015). Collection method: clinical testing. Allele origin: germline.
Comment: This sequence change replaces alanine, which is neutral and non-polar, with threonine, which is neutral and polar, at codon 123 of the PRDM12 protein (p.Ala123Thr). This variant is not present in population databases (gnomAD no frequency). This variant has not been reported in the literature in individuals affected with PRDM12-related conditions. ClinVar contains an entry for this variant (Variation ID: 2121418). Invitae Evidence Modeling of protein sequence and biophysical properties (such as structural, functional, and spatial information, amino acid conservation, physicochemical variation, residue mobility, and thermodynamic stability) indicates that this missense variant is not expected to disrupt PRDM12 protein function with a negative predictive value of 80%. In summary, the available evidence is currently insufficient to determine the role of this variant in disease. Therefore, it has been classified as a Variant of Uncertain Significance.